The following is an entry in ClinVar:

NM_000093.5(COL5A1):c.4351C>G (p.Leu1451Val)

Gene: COL5A1 (collagen type V alpha 1 chain; plus strand). Cytogenetic location: 9q34.3.
Variant type: single nucleotide variant.
Coding change: c.4351C>G on transcript NM_000093.5 (MANE Select); coding-DNA position 4351, C replaced by G.
Protein change: p.Leu1451Val; replaces leucine 1451 with valine.
Molecular consequence: missense variant.
Genome position (GRCh38, 1-based): chr9:134,818,860, C>G. VCF-style: chr9-134818860-C-G. GRCh37 (hg19) VCF-style: chr9-137710706-C-G.
Other names: c.4351C>G, p.Leu1451Val (NM_001278074.1); short protein forms L1451V.
Identifiers: ClinVar variation 519634 (VCV000519634.22), dbSNP rs369740453, ClinGen allele CA375457380.

ClinVar aggregate classification (germline): Conflicting classifications of pathogenicity. Review status: criteria provided, conflicting classifications (1 of 4 stars). 3 submissions from 3 submitters: Uncertain significance (2); Likely benign (1). Last evaluated 2024-11-01.

Conditions:
Familial thoracic aortic aneurysm and aortic dissection (TAAD). Also called: Thoracic aortic aneurysms and dissections. Identifiers: Orphanet 91387, MedGen C4707243, MONDO:0019625.
Ehlers-Danlos syndrome, classic type, 1 (EDSCL1). Also called: Ehlers-Danlos Syndrome, Classic Type, COL5A1-Related; EDS I; Ehlers-Danlos syndrome, type 1; EHLERS-DANLOS SYNDROME, GRAVIS TYPE; EHLERS-DANLOS SYNDROME, SEVERE CLASSIC TYPE. Identifiers: MedGen C0268335, MONDO:0019567, OMIM 130000.

Allele frequency attached by ClinVar (database versions not stated): gnomAD exomes below 0.00001 and 0.00001; TOPMed below 0.00001; gnomAD 0.00001.
gnomAD v4.1: 10 of 1,613,044 alleles (0.00062%); highest among the groups gnomAD compares: Non-Finnish European, 0.00068%; no homozygotes.

Submissions (3):

CeGaT Center for Human Genetics Tuebingen
Classification: Uncertain significance. Last evaluated: 2024-11-01. Review status: criteria provided, single submitter. Criteria: CeGaT Center For Human Genetics Tuebingen Variant Classification Criteria Version 2. Collection method: clinical testing. Allele origin: germline. Affected: yes. Observed: 1 variant allele.
Comment: COL5A1: PM2:Supporting

Labcorp Genetics (formerly Invitae), Labcorp
Classification: Likely benign for Ehlers-Danlos syndrome, classic type, 1. Last evaluated: 2023-10-12. Review status: criteria provided, single submitter. Criteria: Invitae Variant Classification Sherloc (09022015). Collection method: clinical testing. Allele origin: germline.

Ambry Genetics
Classification: Uncertain significance for Familial thoracic aortic aneurysm and aortic dissection. Last evaluated: 2016-07-26. Review status: criteria provided, single submitter. Criteria: Ambry Variant Classification Scheme 2023. Collection method: clinical testing. Allele origin: germline.
Comment: The p.L1451V variant (also known as c.4351C>G), located in coding exon 56 of the COL5A1 gene, results from a C to G substitution at nucleotide position 4351. The leucine at codon 1451 is replaced by valine, an amino acid with highly similar properties. This variant was not reported in population based cohorts in the following databases: Database of Single Nucleotide Polymorphisms (dbSNP), NHLBI Exome Sequencing Project (ESP), and 1000 Genomes Project. In the ESP, this variant was not observed in 6503 samples (13006 alleles) with coverage at this position. This amino acid position is well conserved in available vertebrate species. In addition, the in silico prediction for this alteration is inconclusive. Since supporting evidence is limited at this time, the clinical significance of this alteration remains unclear.